The following is an entry in ClinVar:

NM_000051.4(ATM):c.3089A>G (p.Lys1030Arg)

Gene: ATM (ATM serine/threonine kinase; plus strand). Cytogenetic location: 11q22.3.
Variant type: single nucleotide variant.
Coding change: c.3089A>G on transcript NM_000051.4 (MANE Select); coding-DNA position 3089, A replaced by G.
Protein change: p.Lys1030Arg; replaces lysine 1030 with arginine.
Molecular consequence: missense variant.
Genome position (GRCh38, 1-based): chr11:108,272,543, A>G. VCF-style: chr11-108272543-A-G. GRCh37 (hg19) VCF-style: chr11-108143270-A-G.
Other names: c.3089A>G, p.Lys1030Arg (NM_001351834.2); short protein forms K1030R.
Identifiers: ClinVar variation 937171 (VCV000937171.9), dbSNP rs2081639453, ClinGen allele CA382515037.

ClinVar aggregate classification (germline): Uncertain significance (1 of 4 stars; one submission).

Conditions:
Ataxia-telangiectasia syndrome (AT). Also called: Cerebello-oculocutaneous telangiectasia; Immunodeficiency with ataxia telangiectasia; LOUIS-BAR SYNDROME; AT, COMPLEMENTATION GROUP C; ATAXIA-TELANGIECTASIA, COMPLEMENTATION GROUP A; ATAXIA-TELANGIECTASIA, FRESNO VARIANT. Identifiers: Orphanet 100, MedGen C0004135, MONDO:0008840, OMIM 208900.

Submission:

Labcorp Genetics (formerly Invitae), Labcorp
Classification: Uncertain significance for Ataxia-telangiectasia syndrome. Last evaluated: 2019-10-11. Review status: criteria provided, single submitter. Criteria: Invitae Variant Classification Sherloc (09022015). Collection method: clinical testing. Allele origin: germline.
Comment: This sequence change replaces lysine with arginine at codon 1030 of the ATM protein (p.Lys1030Arg). The lysine residue is moderately conserved and there is a small physicochemical difference between lysine and arginine. This variant is not present in population databases (ExAC no frequency). This variant has not been reported in the literature in individuals with ATM-related conditions. Algorithms developed to predict the effect of missense changes on protein structure and function output the following: SIFT: "Tolerated"; PolyPhen-2: "Benign"; Align-GVGD: "Class C0". The arginine amino acid residue is found in multiple mammalian species, suggesting that this missense change does not adversely affect protein function. These predictions have not been confirmed by published functional studies and their clinical significance is uncertain. In summary, the available evidence is currently insufficient to determine the role of this variant in disease. Therefore, it has been classified as a Variant of Uncertain Significance.